The following is an entry in ClinVar:

ClinVar aggregate classification (germline): Likely benign (1 of 4 stars; one submission).

Allele frequency attached by ClinVar (database versions not stated): 1000 Genomes Project 30x 0.00156; 1000 Genomes Project 0.00180; ESP Exome Variant Server 0.00334; gnomAD 0.00555.
gnomAD v4.1: 10,410 of 1,613,848 alleles (0.65%); highest among the groups gnomAD compares: Non-Finnish European, 0.68%; 45 homozygotes.

Submission:

CeGaT Center for Human Genetics Tuebingen
Classification: Likely benign. Last evaluated: 2023-08-01. Review status: criteria provided, single submitter. Criteria: CeGaT Center For Human Genetics Tuebingen Variant Classification Criteria Version 2. Collection method: clinical testing. Allele origin: germline. Affected: yes. Observed: 2 variant alleles.
Comment: PCDHGB1: BP4, BP7, BS2

NM_018922.3(PCDHGB1):c.1222C>A (p.Arg408=)

Genes: PCDHG@ (protocadherin gamma cluster; plus strand), PCDHGA1 (protocadherin gamma subfamily A, 1; plus strand), PCDHGA2 (protocadherin gamma subfamily A, 2; plus strand), PCDHGA3 (protocadherin gamma subfamily A, 3; plus strand), PCDHGB1 (protocadherin gamma subfamily B, 1; plus strand). Cytogenetic location: 5q31.3.
Variant type: single nucleotide variant.
Coding change: c.1222C>A on transcript NM_018922.3 (MANE Select); coding-DNA position 1222, C replaced by A.
Protein change: p.Arg408=; no amino-acid change (arginine 408 retained).
Molecular consequence: synonymous variant. On other transcripts: intron variant (3).
Genome position (GRCh38, 1-based): chr5:141,351,482, C>A. VCF-style: chr5-141351482-C-A. GRCh37 (hg19) VCF-style: chr5-140731049-C-A.
Other names: c.1222C>A, p.Arg408= (NM_032095.1); c.2421+18377C>A (NM_018912.3); c.2424+10087C>A (NM_018915.4); c.2424+5025C>A (NM_018916.4).
Identifiers: ClinVar variation 2655842 (VCV002655842.24), dbSNP rs148748054, ClinGen allele CA3468525.